The following is an entry in ClinVar:

NM_000368.5(TSC1):c.646T>G (p.Phe216Val)

Gene: TSC1 (TSC complex subunit 1; minus strand). Cytogenetic location: 9q34.13.
Variant type: single nucleotide variant.
Coding change: c.646T>G on transcript NM_000368.5 (MANE Select); coding-DNA position 646, T replaced by G.
Protein change: p.Phe216Val; replaces phenylalanine 216 with valine.
Molecular consequence: missense variant. On other transcripts: 5 prime UTR variant (5), non-coding transcript variant (5).
Genome position (GRCh38, 1-based): chr9:132,921,836, A>C on the plus strand (T>G on the coding strand, the complement: TSC1 is on the minus strand). VCF-style: chr9-132921836-A-C. GRCh37 (hg19) VCF-style: chr9-135797223-A-C.
Other names: c.646T>G, p.Phe216Val (NM_001406597.1, NM_001406598.1, NM_001406599.1 and 16 more transcripts); c.283T>G, p.Phe95Val (NM_001406616.1, NM_001406617.1, NM_001406618.1 and 10 more transcripts); c.493T>G, p.Phe165Val (NM_001162427.2, NM_001406610.1, NM_001406611.1 and 2 more transcripts); c.-232T>G (NM_001406626.1, NM_001406627.1, NM_001406628.1); c.-374T>G (NM_001406629.1); c.-448T>G (NM_001406630.1); short protein forms F165V, F216V, F95V.
Identifiers: ClinVar variation 4807633 (VCV004807633.1).
Genomic context (GRCh38, chr9:132,921,836, plus strand): 5'-AACAGTATACTAAGTAGCAAACAAACAAGCAGTTTCAATTTACCTTGACCACTTCTTCAA[A>C]AGTCTCCAGGTTTTCTTTCATACTGTAATGAGAACGCAAAAAGGAGACGAAGTTGCAAGG-3'
Protein context (NP_000359.1, residues 206-226): HYSMKENLET[Phe216Val]EEVVKPMMEH

ClinVar aggregate classification (germline): Uncertain significance (1 of 4 stars; one submission).

Conditions:
Tuberous sclerosis 1 (TSC1). Identifiers: Orphanet 805, MedGen C1854465, MONDO:0008612, OMIM 191100.

Submission:

Labcorp Genetics (formerly Invitae), Labcorp
Classification: Uncertain significance for Tuberous sclerosis 1. Last evaluated: 2025-03-11. Review status: criteria provided, single submitter. Criteria: Invitae Variant Classification Sherloc (09022015). Collection method: clinical testing. Allele origin: germline.
Comment: This sequence change replaces phenylalanine, which is neutral and non-polar, with valine, which is neutral and non-polar, at codon 216 of the TSC1 protein (p.Phe216Val). This variant is not present in population databases (gnomAD no frequency). This variant has not been reported in the literature in individuals affected with TSC1-related conditions. Invitae Evidence Modeling of protein sequence and biophysical properties (such as structural, functional, and spatial information, amino acid conservation, physicochemical variation, residue mobility, and thermodynamic stability) has been performed for this missense variant. However, the output from this modeling did not meet the statistical confidence thresholds required to predict the impact of this variant on TSC1 protein function. This variant disrupts the p.Phe216 amino acid residue in TSC1. Other variant(s) that disrupt this residue have been determined to be pathogenic (PMID: 21309039, 22867869, 31377847; internal data). This suggests that this residue is clinically significant, and that variants that disrupt this residue are likely to be disease-causing. In summary, the available evidence is currently insufficient to determine the role of this variant in disease. Therefore, it has been classified as a Variant of Uncertain Significance.

Literature cited by the submitters: PubMed 21309039; PubMed 22867869; PubMed 31377847.